The following is an entry in ClinVar:

ClinVar aggregate classification (germline): Uncertain significance (1 of 4 stars; one submission).

Submission:

Labcorp Genetics (formerly Invitae), Labcorp
Classification: Uncertain significance. Last evaluated: 2022-05-24. Review status: criteria provided, single submitter. Criteria: Invitae Variant Classification Sherloc (09022015). Collection method: clinical testing. Allele origin: germline.
Comment: In summary, the available evidence is currently insufficient to determine the role of this variant in disease. Therefore, it has been classified as a Variant of Uncertain Significance. Algorithms developed to predict the effect of sequence changes on RNA splicing suggest that this variant may disrupt the consensus splice site. This variant has not been reported in the literature in individuals affected with DNM1L-related conditions. This variant is not present in population databases (gnomAD no frequency). This sequence change falls in intron 14 of the DNM1L gene. It does not directly change the encoded amino acid sequence of the DNM1L protein.

NM_012062.5(DNM1L):c.1597-14T>G

Gene: DNM1L (dynamin 1 like; plus strand). Cytogenetic location: 12p11.21.
Variant type: single nucleotide variant.
Coding change: c.1597-14T>G on transcript NM_012062.5 (MANE Select); 14 bases into the intron before coding-DNA position 1597, T replaced by G.
Molecular consequence: intron variant.
Genome position (GRCh38, 1-based): chr12:32,737,851, T>G. VCF-style: chr12-32737851-T-G. GRCh37 (hg19) VCF-style: chr12-32890785-T-G.
Other names: c.1636-14T>G (NM_001278464.2, NM_001278465.2); c.1635+690T>G (NM_001330380.2); c.988-14T>G (NM_001278466.2); c.1597-14T>G (NM_001278463.2); c.1597-413T>G (NM_012063.4); c.1596+690T>G (NM_005690.5).
Identifiers: ClinVar variation 1998306 (VCV001998306.4), dbSNP rs2541109459, ClinGen allele CA2580085367.